The following is an entry in ClinVar:

ClinVar aggregate classification (germline): Uncertain significance (1 of 4 stars; one submission).

Allele frequency attached by ClinVar (database versions not stated): gnomAD exomes 0.00001 and 0.00002; TOPMed 0.00001; ExAC 0.00002; ESP Exome Variant Server 0.00008.
gnomAD v4.1: 15 of 1,613,390 alleles (0.00093%); highest among the groups gnomAD compares: African/African-American, 0.0013%; no homozygotes.

Submission:

GeneDx
Classification: Uncertain significance. Last evaluated: 2017-10-04. Review status: criteria provided, single submitter. Criteria: GeneDx Variant Classification (06012015). Collection method: clinical testing. Allele origin: germline. Affected: yes.
Comment: The P336L variant in the GHRHR gene has not been reported previously as a pathogenic variant, nor as a benign variant, to our knowledge. The P336L variant is not observed at a significant frequency in large population cohorts (Lek et al., 2016). The P336L variant is a semi-conservative amino acid substitution, which may impact secondary protein structure as these residues differ in some properties. This substitution occurs at a position that is conserved across species, and in silico analysis predicts this variant is probably damaging to the protein structure/function. We interpret P336L as a variant of uncertain significance.

NM_000823.4(GHRHR):c.1007C>T (p.Pro336Leu)

Gene: GHRHR (growth hormone releasing hormone receptor; plus strand). Cytogenetic location: 7p14.3.
Variant type: single nucleotide variant.
Coding change: c.1007C>T on transcript NM_000823.4 (MANE Select); coding-DNA position 1007, C replaced by T.
Protein change: p.Pro336Leu; replaces proline 336 with leucine.
Molecular consequence: missense variant.
Genome position (GRCh38, 1-based): chr7:30,976,461, C>T. VCF-style: chr7-30976461-C-T. GRCh37 (hg19) VCF-style: chr7-31016076-C-T.
Other names: short protein forms P336L.
Identifiers: ClinVar variation 427035 (VCV000427035.2), dbSNP rs149182247, ClinGen allele CA4208758.